The following is an entry in ClinVar:

NM_001371986.1(UNC80):c.3589A>G (p.Ile1197Val)

Gene: UNC80 (unc-80 subunit of NALCN channel complex; plus strand). Cytogenetic location: 2q34.
Variant type: single nucleotide variant.
Coding change: c.3589A>G on transcript NM_001371986.1 (MANE Select); coding-DNA position 3589, A replaced by G.
Protein change: p.Ile1197Val; replaces isoleucine 1197 with valine.
Molecular consequence: missense variant.
Genome position (GRCh38, 1-based): chr2:209,849,585, A>G. VCF-style: chr2-209849585-A-G. GRCh37 (hg19) VCF-style: chr2-210714309-A-G.
Other names: c.3595A>G, p.Ile1199Val (NM_032504.2); c.3580A>G, p.Ile1194Val (NM_182587.4); short protein forms I1199V, I1194V, I1197V.
Identifiers: ClinVar variation 1028455 (VCV001028455.8), dbSNP rs1046397341, ClinGen allele CA65032890.

ClinVar aggregate classification (germline): Uncertain significance. Review status: criteria provided, multiple submitters, no conflicts (2 of 4 stars). 3 submissions from 3 submitters: Uncertain significance (3). Last evaluated 2025-11-08.

Conditions:
Hypotonia, infantile, with psychomotor retardation and characteristic facies 2 (IHPRF2). Also called: UNC80 Deficiency. Identifiers: Orphanet 371364, Orphanet 700333, MedGen C4225203, MONDO:0014777, OMIM 616801.
Inborn genetic diseases. Identifiers: MedGen C0950123, MeSH D030342.

Allele frequency attached by ClinVar (database versions not stated): gnomAD exomes 0.00001 and 0.00003; gnomAD 0.00004 and 0.00005; TOPMed 0.00010; 1000 Genomes Project 30x 0.00016.
gnomAD v4.1: 20 of 1,550,918 alleles (0.0013%); highest among the groups gnomAD compares: Admixed American, 0.024%; no homozygotes.

Submissions (3):

Ambry Genetics
Classification: Uncertain significance for Inborn genetic diseases. Last evaluated: 2025-11-08. Review status: criteria provided, single submitter. Criteria: Ambry Variant Classification Scheme 2023. Collection method: clinical testing. Allele origin: germline.

Labcorp Genetics (formerly Invitae), Labcorp
Classification: Uncertain significance. Last evaluated: 2022-10-13. Review status: criteria provided, single submitter. Criteria: Invitae Variant Classification Sherloc (09022015). Collection method: clinical testing. Allele origin: germline.
Comment: This sequence change replaces isoleucine, which is neutral and non-polar, with valine, which is neutral and non-polar, at codon 1199 of the UNC80 protein (p.Ile1199Val). This variant is present in population databases (no rsID available, gnomAD 0.02%). This variant has not been reported in the literature in individuals affected with UNC80-related conditions. ClinVar contains an entry for this variant (Variation ID: 1028455). Algorithms developed to predict the effect of missense changes on protein structure and function are either unavailable or do not agree on the potential impact of this missense change (SIFT: "Not Available"; PolyPhen-2: "Possibly Damaging"; Align-GVGD: "Not Available"). In summary, the available evidence is currently insufficient to determine the role of this variant in disease. Therefore, it has been classified as a Variant of Uncertain Significance.

Baylor Genetics
Classification: Uncertain significance for Hypotonia, infantile, with psychomotor retardation and characteristic facies 2. Last evaluated: 2019-01-03. Review status: criteria provided, single submitter. Criteria: ACMG Guidelines, 2015. Collection method: clinical testing. Allele origin: unknown. Affected: yes.
Comment: This variant was determined to be of uncertain significance according to ACMG Guidelines, 2015 [PMID:25741868].